The following is an entry in ClinVar:

ClinVar aggregate classification (germline): Likely benign (1 of 4 stars; one submission).

gnomAD v4.1: 1 of 1,612,924 alleles (0.000062%); highest among the groups gnomAD compares: African/African-American, 0.0013%; no homozygotes.

Submission:

CeGaT Center for Human Genetics Tuebingen
Classification: Likely benign. Last evaluated: 2023-04-01. Review status: criteria provided, single submitter. Criteria: CeGaT Center For Human Genetics Tuebingen Variant Classification Criteria Version 2. Collection method: clinical testing. Allele origin: germline. Affected: yes. Observed: 1 variant allele.
Comment: COL6A2: PM2:Supporting, BP4, BP7

NM_058174.3(COL6A2):c.2520G>T (p.Pro840=)

Gene: COL6A2 (collagen type VI alpha 2 chain; plus strand). Cytogenetic location: 21q22.3.
Variant type: single nucleotide variant.
Coding change: c.2520G>T on transcript NM_058174.3 (MANE Plus Clinical); coding-DNA position 2520, G replaced by T.
Protein change: p.Pro840=; no amino-acid change (proline 840 retained).
Molecular consequence: synonymous variant. On other transcripts: 3 prime UTR variant (1), intron variant (1).
Genome position (GRCh38, 1-based): chr21:46,129,254, G>T. VCF-style: chr21-46129254-G-T. GRCh37 (hg19) VCF-style: chr21-47549168-G-T.
Other names: c.*326G>T (NM_058175.3); c.2462-2700G>T (NM_001849.4).
Identifiers: ClinVar variation 2652802 (VCV002652802.24), dbSNP rs768178267, ClinGen allele CA2654974644.
Genomic context (GRCh38, chr21:46,129,254, plus strand): 5'-AGATGCACCGTGGCCTGGCGGCGAGCCCCCGGTCACCTTCCTCCGCACGGAAGAGGGGCC[G>T]GACGCCACCTTCCCCAGGACCATTCCCCTGATCCAACAGTTGCTAAACGCCACGGAGCTC-3'
Protein context (NP_478054.2, residues 830-850): PVTFLRTEEG[Pro840=]DATFPRTIPL